The following is an entry in ClinVar:

ClinVar aggregate classification (germline): Uncertain significance. Review status: criteria provided, multiple submitters, no conflicts (2 of 4 stars). 2 submissions from 2 submitters: Uncertain significance (2). Last evaluated 2024-05-31.

Conditions:
Charcot-Marie-Tooth disease axonal type 2O. Also called: CHARCOT-MARIE-TOOTH NEUROPATHY, AXONAL, TYPE 2O; CHARCOT-MARIE-TOOTH DISEASE, AXONAL, AUTOSOMAL DOMINANT, TYPE 2O; Charcot-Marie-Tooth disease, axonal, type 20; Charcot-Marie-Tooth Neuropathy Type 2O. Identifiers: Orphanet 284232, MedGen C3280220, MONDO:0013644, OMIM 614228.

Submissions (2):

Labcorp Genetics (formerly Invitae), Labcorp
Classification: Uncertain significance for Charcot-Marie-Tooth disease axonal type 2O. Last evaluated: 2024-05-31. Review status: criteria provided, single submitter. Criteria: Invitae Variant Classification Sherloc (09022015). Collection method: clinical testing. Allele origin: germline.
Comment: This variant, c.7983_7985del, results in the deletion of 1 amino acid(s) of the DYNC1H1 protein (p.Leu2661del), but otherwise preserves the integrity of the reading frame. This variant is not present in population databases (gnomAD no frequency). This variant has not been reported in the literature in individuals affected with DYNC1H1-related conditions. ClinVar contains an entry for this variant (Variation ID: 2580567). Experimental studies and prediction algorithms are not available or were not evaluated, and the functional significance of this variant is currently unknown. In summary, the available evidence is currently insufficient to determine the role of this variant in disease. Therefore, it has been classified as a Variant of Uncertain Significance.

GeneDx
Classification: Uncertain significance. Last evaluated: 2023-03-23. Review status: criteria provided, single submitter. Criteria: GeneDx Variant Classification Process June 2021. Collection method: clinical testing. Allele origin: germline. Affected: yes.
Comment: Not observed at significant frequency in large population cohorts (gnomAD); In-frame deletion of 1 amino acids in a non-repeat region; In silico analysis supports a deleterious effect on protein structure/function; Has not been previously published as pathogenic or benign to our knowledge; This variant is associated with the following publications: (PMID: 26100331, 25609763, 25512093)

NM_001376.5(DYNC1H1):c.7980GTT[1] (p.Leu2661del)

Gene: DYNC1H1 (dynein cytoplasmic 1 heavy chain 1; plus strand). Cytogenetic location: 14q32.31.
Variant type: Microsatellite.
Coding change: c.7980GTT[1] on transcript NM_001376.5 (MANE Select); one copy of the 3-base unit GTT starting at c.7980; the reference has two copies in a row; one copy, 3 bases deleted; also written c.7983_7985del.
Protein change: p.Leu2661del; deletes leucine 2661.
Molecular consequence: inframe deletion. On other transcripts: inframe indel (2).
Genome position (GRCh38, 1-based): chr14:102,017,222-102,017,224, GTT deleted; deleting any 3 consecutive bases within chr14:102,017,218-102,017,224 gives the same sequence; the position shown is the placement nearest the transcript's 3' end. VCF-style (leftmost placement, unchanged base first): chr14-102017217-GTGT-G. GRCh37 (hg19) VCF-style: chr14-102483554-GTGT-G.
Other names: c.7980_7982GTT[1], p.Leu2661del (NM_001376.4); c.7983_7985del (NM_001376.4); short protein forms L2661del.
Identifiers: ClinVar variation 2580567 (VCV002580567.3), dbSNP rs2503773098, ClinGen allele CA2580618119.
Genomic context (GRCh38, chr14:102,017,217, plus strand): 5'-GAGTACAGGCGCACACCTAATGGGGTGGTTTTGGCTCCTGTTCAACTTGGAAAGTGGCTG[GTGT>G]TGTTCTGTGATGAAATCAACTTGCCAGATATGGATAAATATGGGACCCAGAGGGTCATAT-3'